The following is an entry in ClinVar:

ClinVar aggregate classification (germline): Uncertain significance. Review status: criteria provided, multiple submitters, no conflicts (2 of 4 stars). 2 submissions from 2 submitters: Uncertain significance (2). Last evaluated 2025-09-26.

Conditions:
Inborn genetic diseases. Identifiers: MedGen C0950123, MeSH D030342.

gnomAD v4.1: 47 of 1,613,050 alleles (0.0029%); highest among the groups gnomAD compares: Non-Finnish European, 0.0036%; no homozygotes.

Submissions (2):

Ambry Genetics
Classification: Uncertain significance for Inborn genetic diseases. Last evaluated: 2025-09-26. Review status: criteria provided, single submitter. Criteria: Ambry Variant Classification Scheme 2023. Collection method: clinical testing. Allele origin: germline.

GeneDx
Classification: Uncertain significance. Last evaluated: 2024-10-14. Review status: criteria provided, single submitter. Criteria: GeneDx Variant Classification Process June 2021. Collection method: clinical testing. Allele origin: germline. Affected: yes.
Comment: Not observed at significant frequency in large population cohorts (gnomAD); In silico analysis indicates that this missense variant does not alter protein structure/function; Has not been previously published as pathogenic or benign to our knowledge

NM_016239.4(MYO15A):c.3469C>T (p.Leu1157Phe)

Gene: MYO15A (myosin XVA; plus strand). Cytogenetic location: 17p11.2.
Variant type: single nucleotide variant.
Coding change: c.3469C>T on transcript NM_016239.4 (MANE Select); coding-DNA position 3469, C replaced by T.
Protein change: p.Leu1157Phe; replaces leucine 1157 with phenylalanine.
Molecular consequence: missense variant.
Genome position (GRCh38, 1-based): chr17:18,122,269, C>T. VCF-style: chr17-18122269-C-T. GRCh37 (hg19) VCF-style: chr17-18025583-C-T.
Other names: short protein forms L1157F.
Identifiers: ClinVar variation 3777316 (VCV003777316.2).